The following is an entry in ClinVar:

NM_020937.4(FANCM):c.3100T>G (p.Cys1034Gly)

Gene: FANCM (FA complementation group M; plus strand). Cytogenetic location: 14q21.2.
Variant type: single nucleotide variant.
Coding change: c.3100T>G on transcript NM_020937.4 (MANE Select); coding-DNA position 3100, T replaced by G.
Protein change: p.Cys1034Gly; replaces cysteine 1034 with glycine.
Molecular consequence: missense variant.
Genome position (GRCh38, 1-based): chr14:45,175,854, T>G. VCF-style: chr14-45175854-T-G. GRCh37 (hg19) VCF-style: chr14-45645057-T-G.
Other names: c.3022T>G, p.Cys1008Gly (NM_001308133.2); short protein forms C1008G, C1034G.
Identifiers: ClinVar variation 3893534 (VCV003893534.2).
Genomic context (GRCh38, chr14:45,175,854, plus strand): 5'-GGTACTGCACTTGAGAATTTGCTTTTCTTACCCTGTGCAGAGCATTTACGAAGTGATAAA[T>G]GCACCTGTTTGCTGTCACATTCAGCTGTGAATTCTCAACAGAATTTAGAATTGAATTCAC-3'
Protein context (NP_065988.1, residues 1024-1044): PCAEHLRSDK[Cys1034Gly]TCLLSHSAVN

ClinVar aggregate classification (germline): Uncertain significance. Review status: criteria provided, multiple submitters, no conflicts (2 of 4 stars). 2 submissions from 2 submitters: Uncertain significance (2). Last evaluated 2025-05-17.

Conditions:
Inborn genetic diseases. Identifiers: MedGen C0950123, MeSH D030342.

Submissions (2):

Ambry Genetics
Classification: Uncertain significance for Inborn genetic diseases. Last evaluated: 2025-05-17. Review status: criteria provided, single submitter. Criteria: Ambry Variant Classification Scheme 2023. Collection method: clinical testing. Allele origin: germline.
Comment: The p.C1034G variant (also known as c.3100T>G), located in coding exon 14 of the FANCM gene, results from a T to G substitution at nucleotide position 3100. The cysteine at codon 1034 is replaced by glycine, an amino acid with highly dissimilar properties. This amino acid position is conserved. In addition, this alteration is predicted to be tolerated by in silico analysis. Based on the available evidence, the clinical significance of this variant remains unclear.

GeneDx
Classification: Uncertain significance. Last evaluated: 2024-10-22. Review status: criteria provided, single submitter. Criteria: GeneDx Variant Classification Process June 2021. Collection method: clinical testing. Allele origin: germline. Affected: yes.
Comment: Not observed at significant frequency in large population cohorts (gnomAD); In silico analysis indicates that this missense variant does not alter protein structure/function; Has not been previously published as pathogenic or benign to our knowledge